The following is an entry in ClinVar:

ClinVar aggregate classification (germline): Likely benign. Review status: criteria provided, multiple submitters, no conflicts (2 of 4 stars). 3 submissions from 3 submitters: Likely benign (2). 1 of the submissions does not count toward it. Last evaluated 2025-02-01.

Conditions:
Bethlem myopathy 1A. Also called: MYOPATHY, BENIGN CONGENITAL, WITH CONTRACTURES; Bethlem myopathy 1; Bethlem Muscular Dystrophy. Identifiers: Orphanet 610, MedGen CN029274, MONDO:0024530, OMIM 158810.
COL6A1-related disorder. Also called: COL6A1-related condition.

Allele frequency attached by ClinVar (database versions not stated): gnomAD exomes below 0.00001 and 0.00001; ExAC 0.00002; TOPMed 0.00002.
gnomAD v4.1: 12 of 1,612,876 alleles (0.00074%); highest among the groups gnomAD compares: East Asian, 0.0089%; no homozygotes.

Submissions (3):

CeGaT Center for Human Genetics Tuebingen
Classification: Likely benign. Last evaluated: 2025-02-01. Review status: criteria provided, single submitter. Criteria: CeGaT Center For Human Genetics Tuebingen Variant Classification Criteria Version 2. Collection method: clinical testing. Allele origin: germline. Affected: yes. Observed: 1 variant allele.
Comment: COL6A1: BP4, BP7

Labcorp Genetics (formerly Invitae), Labcorp
Classification: Likely benign for Bethlem myopathy 1A. Last evaluated: 2023-08-04. Review status: criteria provided, single submitter. Criteria: Invitae Variant Classification Sherloc (09022015). Collection method: clinical testing. Allele origin: germline.

PreventionGenetics, part of Exact Sciences
Classification: Likely benign for COL6A1-related condition. Last evaluated: 2019-05-22. Review status: no assertion criteria provided. Collection method: clinical testing. Allele origin: germline. Not counted in ClinVar's aggregate classification.
Comment: This variant is classified as likely benign based on ACMG/AMP sequence variant interpretation guidelines (Richards et al. 2015 PMID: 25741868, with internal and published modifications).

NM_001848.3(COL6A1):c.162C>T (p.Pro54=)

Gene: COL6A1 (collagen type VI alpha 1 chain; plus strand). Cytogenetic location: 21q22.3.
Variant type: single nucleotide variant.
Coding change: c.162C>T on transcript NM_001848.3 (MANE Select); coding-DNA position 162, C replaced by T.
Protein change: p.Pro54=; no amino-acid change (proline 54 retained).
Molecular consequence: synonymous variant.
Genome position (GRCh38, 1-based): chr21:45,982,698, C>T. VCF-style: chr21-45982698-C-T. GRCh37 (hg19) VCF-style: chr21-47402612-C-T.
Identifiers: ClinVar variation 476417 (VCV000476417.26), dbSNP rs775062782, ClinGen allele CA10069473.